The following is an entry in ClinVar:

NM_006206.6(PDGFRA):c.1892C>T (p.Pro631Leu)

Gene: PDGFRA (platelet derived growth factor receptor alpha; plus strand). Cytogenetic location: 4q12.
Variant type: single nucleotide variant.
Coding change: c.1892C>T on transcript NM_006206.6 (MANE Select); coding-DNA position 1892, C replaced by T.
Protein change: p.Pro631Leu; replaces proline 631 with leucine.
Molecular consequence: missense variant.
Genome position (GRCh38, 1-based): chr4:54,277,896, C>T. VCF-style: chr4-54277896-C-T. GRCh37 (hg19) VCF-style: chr4-55144063-C-T.
Other names: c.1892C>T, p.Pro631Leu (NM_001347827.2, NM_001347829.2); c.1967C>T, p.Pro656Leu (NM_001347828.2); c.1931C>T, p.Pro644Leu (NM_001347830.2); short protein forms P656L, P644L, P631L.
Identifiers: ClinVar variation 2710958 (VCV002710958.5), dbSNP rs2475510600, ClinGen allele CA356893564.
Genomic context (GRCh38, chr4:54,277,896, plus strand): 5'-TTCTGAGAACAGGAAGTTGGTAGCTCAGCTGGACTGATATGTGATTTATTCTTTCAACAG[C>T]CACGGCCAGATCCAGTGAAAAACAAGCTCTCATGTCTGAACTGAAGATAATGACTCACCT-3'
Protein context (NP_006197.1, residues 621-641): VMKVAVKMLK[Pro631Leu]TARSSEKQAL

ClinVar aggregate classification (germline): Uncertain significance. Review status: criteria provided, multiple submitters, no conflicts (2 of 4 stars). 3 submissions from 3 submitters: Uncertain significance (3). Last evaluated 2026-07-06.

Conditions:
Gastrointestinal stromal tumor. Also called: Gastrointestinal stroma tumor; Gastrointestinal stromal tumor, somatic. Identifiers: Orphanet 44890, MedGen C0238198, MeSH D046152, MONDO:0011719, OMIM 606764, HP:0100723.
Hereditary cancer-predisposing syndrome. Also called: Hereditary neoplastic syndrome; Hereditary Cancer Syndrome; Neoplastic Syndromes, Hereditary; Tumor predisposition. Identifiers: Orphanet 140162, MedGen C0027672, MeSH D009386, MONDO:0015356.

Submissions (3):

Ambry Genetics
Classification: Uncertain significance for Hereditary cancer-predisposing syndrome. Last evaluated: 2026-07-06. Review status: criteria provided, single submitter. Criteria: Ambry Variant Classification Scheme 2023. Collection method: clinical testing. Allele origin: germline.
Comment: The p.P631L variant (also known as c.1892C>T) is located in coding exon 13 of the PDGFRA gene. The proline at codon 631 is replaced by leucine, an amino acid with similar properties. This change occurs in the first base pair of coding exon 13. This amino acid position is conserved. In addition, this alteration is predicted to be deleterious by in silico analysis. Based on the available evidence, the clinical significance of this variant remains unclear.

Labcorp Genetics (formerly Invitae), Labcorp
Classification: Uncertain significance for Gastrointestinal stromal tumor. Last evaluated: 2026-01-06. Review status: criteria provided, single submitter. Criteria: Invitae Variant Classification Sherloc (09022015). Collection method: clinical testing. Allele origin: germline.
Comment: This sequence change replaces proline, which is neutral and non-polar, with leucine, which is neutral and non-polar, at codon 631 of the PDGFRA protein (p.Pro631Leu). This variant is not present in population databases (gnomAD no frequency). This variant has not been reported in the literature in individuals affected with PDGFRA-related conditions. ClinVar contains an entry for this variant (Variation ID: 2710958). An algorithm developed to predict the effect of missense changes on protein structure and function (PolyPhen-2) suggests that this variant is likely to be disruptive. In summary, the available evidence is currently insufficient to determine the role of this variant in disease. Therefore, it has been classified as a Variant of Uncertain Significance.

GeneDx
Classification: Uncertain significance. Last evaluated: 2023-12-10. Review status: criteria provided, single submitter. Criteria: GeneDx Variant Classification Process June 2021. Collection method: clinical testing. Allele origin: germline. Affected: yes.
Comment: Not observed at significant frequency in large population cohorts (gnomAD); In silico analysis supports that this missense variant has a deleterious effect on protein structure/function; Has not been previously published as pathogenic or benign to our knowledge